The following is an entry in ClinVar:

NM_000092.5(COL4A4):c.3687del (p.Gly1230fs)

Gene: COL4A4 (collagen type IV alpha 4 chain; minus strand). Cytogenetic location: 2q36.3.
Variant type: Deletion.
Coding change: c.3687del on transcript NM_000092.5 (MANE Select); coding-DNA position 3687, one base deleted (A; older notation c.3687delA).
Protein change: p.Gly1230fs; shifts the reading frame from glycine 1230.
Molecular consequence: frameshift variant.
Genome position (GRCh38, 1-based): chr2:227,032,167, T deleted on the plus strand (A on the coding strand, the reverse complement: COL4A4 is on the minus strand); the first of 3 consecutive T bases (chr2:227,032,167-227,032,169); deleting any one gives the same sequence. VCF-style (leftmost placement, unchanged base first): chr2-227032166-CT-C. GRCh37 (hg19) VCF-style: chr2-227896882-CT-C.
Other names: c.3685delA, p.Gly1230Valfs (NM_000092.4); c.3687del (NM_000092.4); short protein forms G1230fs.
Identifiers: ClinVar variation 2784418 (VCV002784418.4), dbSNP rs1559455208, ClinGen allele CA2586971658.

ClinVar aggregate classification (germline): Pathogenic. Review status: criteria provided, multiple submitters, no conflicts (2 of 4 stars). 2 submissions from 2 submitters: Pathogenic (2). Last evaluated 2024-01-25.

Submissions (2):

GeneDx
Classification: Pathogenic. Last evaluated: 2024-01-25. Review status: criteria provided, single submitter. Criteria: GeneDx Variant Classification Process June 2021. Collection method: clinical testing. Allele origin: germline. Affected: yes.
Comment: Frameshift variant predicted to result in protein truncation or nonsense mediated decay in a gene for which loss of function is a known mechanism of disease; Not observed at significant frequency in large population cohorts (gnomAD); This variant is associated with the following publications: (PMID: 35369551)

Labcorp Genetics (formerly Invitae), Labcorp
Classification: Pathogenic. Last evaluated: 2023-07-20. Review status: criteria provided, single submitter. Criteria: Invitae Variant Classification Sherloc (09022015). Collection method: clinical testing. Allele origin: germline.
Comment: For these reasons, this variant has been classified as Pathogenic. This variant has not been reported in the literature in individuals affected with COL4A4-related conditions. This variant is not present in population databases (gnomAD no frequency). This sequence change creates a premature translational stop signal (p.Gly1230Valfs*58) in the COL4A4 gene. It is expected to result in an absent or disrupted protein product. Loss-of-function variants in COL4A4 are known to be pathogenic (PMID: 21196518, 24854265, 25307543).

Literature cited by the submitters: PubMed 21196518 (cited by Labcorp Genetics (formerly Invitae), Labcorp); PubMed 24854265 (cited by Labcorp Genetics (formerly Invitae), Labcorp); PubMed 25307543 (cited by Labcorp Genetics (formerly Invitae), Labcorp).